The following is an entry in ClinVar:

NM_004380.3(CREBBP):c.490A>G (p.Ser164Gly)

Gene: CREBBP (CREB binding lysine acetyltransferase; minus strand). Cytogenetic location: 16p13.3.
Variant type: single nucleotide variant.
Coding change: c.490A>G on transcript NM_004380.3 (MANE Select); coding-DNA position 490, A replaced by G.
Protein change: p.Ser164Gly; replaces serine 164 with glycine.
Molecular consequence: missense variant.
Genome position (GRCh38, 1-based): chr16:3,850,605, T>C on the plus strand (A>G on the coding strand, the complement: CREBBP is on the minus strand). VCF-style: chr16-3850605-T-C. GRCh37 (hg19) VCF-style: chr16-3900606-T-C.
Other names: c.490A>G, p.Ser164Gly (NM_001079846.1); c.490A>G (NM_004380.2); short protein forms S164G.
Identifiers: ClinVar variation 2692548 (VCV002692548.5), dbSNP rs2054811449, ClinGen allele CA394560899.

ClinVar aggregate classification (germline): Uncertain significance. Review status: criteria provided, multiple submitters, no conflicts (2 of 4 stars). 3 submissions from 3 submitters: Uncertain significance (3). Last evaluated 2025-12-11.

Conditions:
CREBBP-related disorder. Also called: CREBBP-related disorders; CREBBP-related condition.
Rubinstein-Taybi syndrome (RSTS). Identifiers: Orphanet 783, MedGen C0035934, MONDO:0019188.

Allele frequency attached by ClinVar (database versions not stated): gnomAD exomes below 0.00001; TOPMed below 0.00001.
gnomAD v4.1: 4 of 1,614,262 alleles (0.00025%); highest among the groups gnomAD compares: Non-Finnish European, 0.00034%; no homozygotes.

Submissions (3):

PreventionGenetics, part of Exact Sciences
Classification: Uncertain significance for CREBBP-related condition. Last evaluated: 2025-12-11. Review status: criteria provided, single submitter. Criteria: ACMG Guidelines, 2015. Collection method: clinical testing. Allele origin: germline.
Comment: The CREBBP c.490A>G variant is predicted to result in the amino acid substitution p.Ser164Gly. To our knowledge, this variant has not been reported in the literature or in a large population database, indicating this variant is rare. At this time, the clinical significance of this variant is uncertain due to the absence of conclusive functional and genetic evidence.

Greenwood Genetic Center Diagnostic Laboratories, Greenwood Genetic Center
Classification: Uncertain significance. Last evaluated: 2023-10-13. Review status: criteria provided, single submitter. Criteria: ACMG Guidelines, 2015. Collection method: clinical testing. Allele origin: germline. Affected: yes.
Comment: PM2

Labcorp Genetics (formerly Invitae), Labcorp
Classification: Uncertain significance for Rubinstein-Taybi syndrome. Last evaluated: 2023-05-30. Review status: criteria provided, single submitter. Criteria: Invitae Variant Classification Sherloc (09022015). Collection method: clinical testing. Allele origin: germline.
Comment: This sequence change replaces serine, which is neutral and polar, with glycine, which is neutral and non-polar, at codon 164 of the CREBBP protein (p.Ser164Gly). This variant is not present in population databases (gnomAD no frequency). This variant has not been reported in the literature in individuals affected with CREBBP-related conditions. Advanced modeling of protein sequence and biophysical properties (such as structural, functional, and spatial information, amino acid conservation, physicochemical variation, residue mobility, and thermodynamic stability) has been performed at Invitae for this missense variant, however the output from this modeling did not meet the statistical confidence thresholds required to predict the impact of this variant on CREBBP protein function. In summary, the available evidence is currently insufficient to determine the role of this variant in disease. Therefore, it has been classified as a Variant of Uncertain Significance.